The following is an entry in ClinVar:

NM_001165963.4(SCN1A):c.5714C>T (p.Pro1905Leu)

Genes: SCN1A (sodium voltage-gated channel alpha subunit 1; minus strand), LOC102724058 (uncharacterized LOC102724058; plus strand). Cytogenetic location: 2q24.3.
Variant type: single nucleotide variant.
Coding change: c.5714C>T on transcript NM_001165963.4 (MANE Select); coding-DNA position 5714, C replaced by T.
Protein change: p.Pro1905Leu; replaces proline 1905 with leucine.
Molecular consequence: missense variant. On other transcripts: non-coding transcript variant (1).
Genome position (GRCh38, 1-based): chr2:165,991,561, G>A on the plus strand (C>T on the coding strand, the complement: SCN1A is on the minus strand). VCF-style: chr2-165991561-G-A. GRCh37 (hg19) VCF-style: chr2-166848071-G-A.
Other names: c.5630C>T, p.Pro1877Leu (NM_001165964.3, NM_001353957.2, NM_001353958.2); c.5714C>T, p.Pro1905Leu (NM_001202435.3, NM_001353948.2); c.5681C>T, p.Pro1894Leu (NM_001353949.2, NM_006920.6, NM_001353950.2 and 2 more transcripts); c.5678C>T, p.Pro1893Leu (NM_001353954.2, NM_001353955.2); c.5627C>T, p.Pro1876Leu (NM_001353960.2); c.3272C>T, p.Pro1091Leu (NM_001353961.2); short protein forms P1091L, P1876L, P1877L, P1893L, P1894L, P1905L.
Identifiers: ClinVar variation 4083323 (VCV004083323.1).

ClinVar aggregate classification (germline): Pathogenic (1 of 4 stars; one submission).

Submission:

GeneDx
Classification: Pathogenic. Last evaluated: 2025-02-28. Review status: criteria provided, single submitter. Criteria: GeneDx Variant Classification Process June 2021. Collection method: clinical testing. Allele origin: germline. Affected: yes.
Comment: Not observed at significant frequency in large population cohorts (gnomAD); In silico analysis supports that this missense variant has a deleterious effect on protein structure/function; This substitution is predicted to be within the C-terminal cytoplasmic domain; This variant is associated with the following publications: (PMID: 25363768, 21572417, 23160955, 28191890, 31981491, 31785789, 35982160, 31133750, 35982159, 32845893, 37329172)